The following is an entry in ClinVar:

NM_006348.5(COG5):c.977A>G (p.Lys326Arg)

Gene: COG5 (component of oligomeric golgi complex 5; minus strand). Cytogenetic location: 7q22.3.
Variant type: single nucleotide variant.
Coding change: c.977A>G on transcript NM_006348.5 (MANE Select); coding-DNA position 977, A replaced by G.
Protein change: p.Lys326Arg; replaces lysine 326 with arginine.
Molecular consequence: missense variant. On other transcripts: intron variant (1).
Genome position (GRCh38, 1-based): chr7:107,362,082, T>C on the plus strand (A>G on the coding strand, the complement: COG5 is on the minus strand). VCF-style: chr7-107362082-T-C. GRCh37 (hg19) VCF-style: chr7-107002527-T-C.
Other names: c.977A>G, p.Lys326Arg (NM_001161520.2, NM_001379511.1, NM_001379512.1 and 3 more transcripts); c.263A>G, p.Lys88Arg (NM_001379516.1); c.539-63736A>G (NM_001379515.1); short protein forms K326R, K88R.
Identifiers: ClinVar variation 1366617 (VCV001366617.5), dbSNP rs1214496373, ClinGen allele CA368939960.

ClinVar aggregate classification (germline): Uncertain significance (1 of 4 stars; one submission).

Conditions:
COG5-congenital disorder of glycosylation. Also called: CONGENITAL DISORDER OF GLYCOSYLATION, TYPE IIi; COG5-CDG; CDG IIi. Identifiers: Orphanet 263487, MedGen C3150876, MONDO:0013325, OMIM 613612.

Allele frequency attached by ClinVar (database versions not stated): gnomAD exomes below 0.00001 and 0.00002; TOPMed 0.00002.
gnomAD v4.1: 27 of 1,609,520 alleles (0.0017%); highest among the groups gnomAD compares: East Asian, 0.0022%; no homozygotes.

Submission:

Labcorp Genetics (formerly Invitae), Labcorp
Classification: Uncertain significance for COG5-congenital disorder of glycosylation. Last evaluated: 2022-05-13. Review status: criteria provided, single submitter. Criteria: Invitae Variant Classification Sherloc (09022015). Collection method: clinical testing. Allele origin: germline.
Comment: This sequence change replaces lysine, which is basic and polar, with arginine, which is basic and polar, at codon 357 of the COG5 protein (p.Lys357Arg). This variant is present in population databases (no rsID available, gnomAD 0.006%). This variant has not been reported in the literature in individuals affected with COG5-related conditions. Algorithms developed to predict the effect of missense changes on protein structure and function are either unavailable or do not agree on the potential impact of this missense change (SIFT: "Deleterious"; PolyPhen-2: "Benign"; Align-GVGD: "Class C0"). In summary, the available evidence is currently insufficient to determine the role of this variant in disease. Therefore, it has been classified as a Variant of Uncertain Significance.